The following is an entry in ClinVar:

ClinVar aggregate classification (germline): Uncertain significance. Review status: criteria provided, multiple submitters, no conflicts (2 of 4 stars). 2 submissions from 2 submitters: Uncertain significance (2). Last evaluated 2026-07-10.

Conditions:
Inborn genetic diseases. Identifiers: MedGen C0950123, MeSH D030342.

Allele frequency attached by ClinVar (database versions not stated): gnomAD exomes 0.00001; gnomAD 0.00011; TOPMed 0.00015; ESP Exome Variant Server 0.00008; ExAC 0.00003.
gnomAD v4.1: 34 of 1,603,148 alleles (0.0021%); highest among the groups gnomAD compares: African/African-American, 0.031%; no homozygotes.

Submissions (2):

Ambry Genetics
Classification: Uncertain significance for Inborn genetic diseases. Last evaluated: 2026-07-10. Review status: criteria provided, single submitter. Criteria: Ambry Variant Classification Scheme 2023. Collection method: clinical testing. Allele origin: germline.
Comment: The c.2565C>T (p.G855G) alteration is located in exon 20 (coding exon 20) of the LTBP4 gene. This alteration consists of a C to T substitution at nucleotide position 2565. This nucleotide substitution does not change the amino acid at codon 855. However, this change occurs in the last nucleotide of Exon 20 (c.2522_2647) which makes it likely to have some effect on normal mRNA splicing. Based on data from gnomAD, the T allele has an overall frequency of 0.003% (8/260350) total alleles studied. The highest observed frequency was 0.023% (5/22246) of African alleles. Based on insufficient or conflicting evidence, the clinical significance of this alteration remains unclear.

Labcorp Genetics (formerly Invitae), Labcorp
Classification: Uncertain significance. Last evaluated: 2022-09-15. Review status: criteria provided, single submitter. Criteria: Invitae Variant Classification Sherloc (09022015). Collection method: clinical testing. Allele origin: germline.
Comment: This sequence change affects codon 855 of the LTBP4 mRNA. It is a 'silent' change, meaning that it does not change the encoded amino acid sequence of the LTBP4 protein. This variant is present in population databases (rs368356734, gnomAD 0.02%). This variant has not been reported in the literature in individuals affected with LTBP4-related conditions. Algorithms developed to predict the effect of sequence changes on RNA splicing suggest that this variant may create or strengthen a splice site. In summary, the available evidence is currently insufficient to determine the role of this variant in disease. Therefore, it has been classified as a Variant of Uncertain Significance.

NM_001042545.2(LTBP4):c.2475C>T (p.Gly825=)

Gene: LTBP4 (latent transforming growth factor beta binding protein 4; plus strand). Cytogenetic location: 19q13.2.
Variant type: single nucleotide variant.
Coding change: c.2475C>T on transcript NM_001042545.2 (MANE Select); coding-DNA position 2475, C replaced by T.
Protein change: p.Gly825=; no amino-acid change (glycine 825 retained).
Molecular consequence: synonymous variant.
Genome position (GRCh38, 1-based): chr19:40,613,447, C>T. VCF-style: chr19-40613447-C-T. GRCh37 (hg19) VCF-style: chr19-41119353-C-T.
Other names: c.2676C>T, p.Gly892= (NM_001042544.1); c.2565C>T, p.Gly855= (NM_003573.2).
Identifiers: ClinVar variation 2182008 (VCV002182008.2), dbSNP rs368356734, ClinGen allele CA9448687.